The following is an entry in ClinVar:

NM_177438.3(DICER1):c.3041T>C (p.Leu1014Ser)

Gene: DICER1 (dicer 1, ribonuclease III; minus strand). Cytogenetic location: 14q32.13.
Variant type: single nucleotide variant.
Coding change: c.3041T>C on transcript NM_177438.3 (MANE Select); coding-DNA position 3041, T replaced by C.
Protein change: p.Leu1014Ser; replaces leucine 1014 with serine.
Molecular consequence: missense variant.
Genome position (GRCh38, 1-based): chr14:95,105,730, A>G on the plus strand (T>C on the coding strand, the complement: DICER1 is on the minus strand). VCF-style: chr14-95105730-A-G. GRCh37 (hg19) VCF-style: chr14-95572067-A-G.
Other names: c.3041T>C, p.Leu1014Ser (NM_001195573.1, NM_001271282.3, NM_001291628.2 and 1 more transcripts); short protein forms L1014S.
Identifiers: ClinVar variation 647132 (VCV000647132.11), dbSNP rs1595372734, ClinGen allele CA390878276.

ClinVar aggregate classification (germline): Uncertain significance. Review status: criteria provided, multiple submitters, no conflicts (2 of 4 stars). 2 submissions from 2 submitters: Uncertain significance (2). Last evaluated 2026-06-08.

Conditions:
DICER1-related tumor predisposition. Also called: DICER1 syndrome; DICER1-related pleuropulmonary blastoma cancer predisposition syndrome. Identifiers: Orphanet 284343, MedGen C3839822, MONDO:0100216.
Hereditary cancer-predisposing syndrome. Also called: Tumor predisposition; Hereditary Cancer Syndrome; Neoplastic Syndromes, Hereditary; Hereditary neoplastic syndrome. Identifiers: Orphanet 140162, MedGen C0027672, MeSH D009386, MONDO:0015356.

Submissions (2):

Ambry Genetics
Classification: Uncertain significance for Hereditary cancer-predisposing syndrome. Last evaluated: 2026-06-08. Review status: criteria provided, single submitter. Criteria: Ambry Variant Classification Scheme 2023. Collection method: clinical testing. Allele origin: germline.
Comment: The p.L1014S variant (also known as c.3041T>C), located in coding exon 18 of the DICER1 gene, results from a T to C substitution at nucleotide position 3041. The leucine at codon 1014 is replaced by serine, an amino acid with dissimilar properties. This amino acid position is conserved. In addition, the in silico prediction for this alteration is inconclusive. Based on the available evidence, the clinical significance of this variant remains unclear.

Labcorp Genetics (formerly Invitae), Labcorp
Classification: Uncertain significance for DICER1-related tumor predisposition. Last evaluated: 2022-04-25. Review status: criteria provided, single submitter. Criteria: Invitae Variant Classification Sherloc (09022015). Collection method: clinical testing. Allele origin: germline.
Comment: This variant has not been reported in the literature in individuals affected with DICER1-related conditions. In summary, the available evidence is currently insufficient to determine the role of this variant in disease. Therefore, it has been classified as a Variant of Uncertain Significance. Algorithms developed to predict the effect of missense changes on protein structure and function are either unavailable or do not agree on the potential impact of this missense change (SIFT: "Tolerated"; PolyPhen-2: "Probably Damaging"; Align-GVGD: "Class C0"). ClinVar contains an entry for this variant (Variation ID: 647132). This variant is not present in population databases (gnomAD no frequency). This sequence change replaces leucine, which is neutral and non-polar, with serine, which is neutral and polar, at codon 1014 of the DICER1 protein (p.Leu1014Ser).